The following is an entry in ClinVar:

NM_002206.3(ITGA7):c.1409+5G>T

Gene: ITGA7 (integrin subunit alpha 7; minus strand). Cytogenetic location: 12q13.2.
Variant type: single nucleotide variant.
Coding change: c.1409+5G>T on transcript NM_002206.3 (MANE Select); 5 bases into the intron after coding-DNA position 1409, G replaced by T.
Molecular consequence: intron variant.
Genome position (GRCh38, 1-based): chr12:55,697,690, C>A on the plus strand (G>T on the coding strand, the complement: ITGA7 is on the minus strand). VCF-style: chr12-55697690-C-A. GRCh37 (hg19) VCF-style: chr12-56091474-C-A.
Other names: c.1130+5G>T (NM_001144997.2); c.1082+5G>T (NM_001367993.1); c.1070+5G>T (NM_001414035.1); c.1226+5G>T (NM_001414033.1); c.65+5G>T (NM_001367994.1); c.1289+5G>T (NM_001414032.1); c.1322+5G>T (NM_001414031.1); c.1409+5G>T (NM_001374465.1, NM_001414034.1); and 3 more.
Identifiers: ClinVar variation 1958506 (VCV001958506.2), dbSNP rs1872955450, ClinGen allele CA2038043152.

ClinVar aggregate classification (germline): Uncertain significance (1 of 4 stars; one submission).

Conditions:
Congenital muscular dystrophy due to integrin alpha-7 deficiency. Also called: Congenital muscular dystrophy with integrin alpha-7 deficiency; Muscular dystrophy, congenital, due to ITGA7 deficiency; MYOPATHY, CONGENITAL, DUE TO INTEGRIN ALPHA-7 DEFICIENCY. Identifiers: Orphanet 34520, MedGen C2750786, MONDO:0013177, OMIM 613204.

Allele frequency attached by ClinVar (database versions not stated): TOPMed below 0.00001.

Submission:

Labcorp Genetics (formerly Invitae), Labcorp
Classification: Uncertain significance for Congenital muscular dystrophy due to integrin alpha-7 deficiency. Last evaluated: 2022-07-11. Review status: criteria provided, single submitter. Criteria: Invitae Variant Classification Sherloc (09022015). Collection method: clinical testing. Allele origin: germline.
Comment: This sequence change falls in intron 9 of the ITGA7 gene. It does not directly change the encoded amino acid sequence of the ITGA7 protein. It affects a nucleotide within the consensus splice site. This variant is not present in population databases (gnomAD no frequency). This variant has not been reported in the literature in individuals affected with ITGA7-related conditions. Variants that disrupt the consensus splice site are a relatively common cause of aberrant splicing (PMID: 17576681, 9536098). Algorithms developed to predict the effect of sequence changes on RNA splicing suggest that this variant is not likely to affect RNA splicing. In summary, the available evidence is currently insufficient to determine the role of this variant in disease. Therefore, it has been classified as a Variant of Uncertain Significance.

Literature cited by the submitters: PubMed 17576681; PubMed 9536098.